The following is an entry in ClinVar:

ClinVar aggregate classification (germline): Uncertain significance. Review status: criteria provided, multiple submitters, no conflicts (2 of 4 stars). 2 submissions from 2 submitters: Uncertain significance (2). Last evaluated 2025-02-23.

Conditions:
Cardiovascular phenotype. Identifiers: MedGen CN230736.
Ehlers-Danlos syndrome (EDS). Identifiers: Orphanet 98249, MedGen C0013720, MONDO:0020066.

Allele frequency attached by ClinVar (database versions not stated): ExAC 0.00001; gnomAD 0.00001; gnomAD exomes 0.00002; TOPMed 0.00002.
gnomAD v4.1: 35 of 1,612,928 alleles (0.0022%); highest among the groups gnomAD compares: Middle Eastern, 0.099%; 1 homozygote.

Submissions (2):

Ambry Genetics
Classification: Uncertain significance for Cardiovascular phenotype. Last evaluated: 2025-02-23. Review status: criteria provided, single submitter. Criteria: Ambry Variant Classification Scheme 2023. Collection method: clinical testing. Allele origin: germline.
Comment: The p.G2701S variant (also known as c.8101G>A), located in coding exon 22 of the TNXB gene, results from a G to A substitution at nucleotide position 8101. The glycine at codon 2701 is replaced by serine, an amino acid with similar properties. This amino acid position is conserved. In addition, this alteration is predicted to be tolerated by in silico analysis. Since supporting evidence is limited at this time, the clinical significance of this alteration remains unclear.

Genome Diagnostics Laboratory, The Hospital for Sick Children
Classification: Uncertain significance for Ehlers-Danlos syndrome. Last evaluated: 2020-02-01. Review status: criteria provided, single submitter. Criteria: ACMG Guidelines, 2015. Collection method: clinical testing. Allele origin: germline.

NM_001365276.2(TNXB):c.8101G>A (p.Gly2701Ser)

Gene: TNXB (tenascin XB; minus strand). Cytogenetic location: 6p21.33.
Variant type: single nucleotide variant.
Coding change: c.8101G>A on transcript NM_001365276.2 (MANE Select); coding-DNA position 8101, G replaced by A.
Protein change: p.Gly2701Ser; replaces glycine 2701 with serine.
Molecular consequence: missense variant.
Genome position (GRCh38, 1-based): chr6:32,056,628, C>T on the plus strand (G>A on the coding strand, the complement: TNXB is on the minus strand). VCF-style: chr6-32056628-C-T. GRCh37 (hg19) VCF-style: chr6-32024405-C-T.
Other names: c.8101G>A, p.Gly2701Ser (NM_019105.8); short protein forms G2701S.
Identifiers: ClinVar variation 1702348 (VCV001702348.6), dbSNP rs367754667, ClinGen allele CA3733964.